The following is an entry in ClinVar:

ClinVar aggregate classification (germline): Uncertain significance. Review status: criteria provided, multiple submitters, no conflicts (2 of 4 stars). 3 submissions from 3 submitters: Uncertain significance (3). Last evaluated 2023-05-23.

Conditions:
Congenital hyperammonemia, type I. Also called: Carbamoyl phosphate synthetase 1 deficiency; Hyperammonemia due to carbamoyl phosphate synthetase 1 deficiency; CPS 1 deficiency; Carbamyl phosphate synthetase (CPS) deficiency; Carbamoyl-phosphate synthase I deficiency; Carbamoyl phosphate synthetase I deficiency disease. Identifiers: Orphanet 147, MedGen C4082171, MONDO:0009376, OMIM 237300.
Inborn genetic diseases. Identifiers: MedGen C0950123, MeSH D030342.

Allele frequency attached by ClinVar (database versions not stated): gnomAD exomes below 0.00001 and 0.00001; ExAC 0.00001.
gnomAD v4.1: 6 of 1,612,446 alleles (0.00037%); highest among the groups gnomAD compares: Non-Finnish European, 0.00051%; no homozygotes.

Submissions (3):

Ambry Genetics
Classification: Uncertain significance for Inborn genetic diseases. Last evaluated: 2023-05-23. Review status: criteria provided, single submitter. Criteria: Ambry Variant Classification Scheme 2023. Collection method: clinical testing. Allele origin: germline.

Labcorp Genetics (formerly Invitae), Labcorp
Classification: Uncertain significance for Congenital hyperammonemia, type I. Last evaluated: 2021-12-03. Review status: criteria provided, single submitter. Criteria: Invitae Variant Classification Sherloc (09022015). Collection method: clinical testing. Allele origin: germline.
Comment: This sequence change replaces alanine, which is neutral and non-polar, with valine, which is neutral and non-polar, at codon 467 of the CPS1 protein (p.Ala467Val). This variant is present in population databases (rs746395584, gnomAD 0.002%). This variant has not been reported in the literature in individuals affected with CPS1-related conditions. ClinVar contains an entry for this variant (Variation ID: 873532). Algorithms developed to predict the effect of missense changes on protein structure and function are either unavailable or do not agree on the potential impact of this missense change (SIFT: "Deleterious"; PolyPhen-2: "Probably Damaging"; Align-GVGD: "Class C0"). In summary, the available evidence is currently insufficient to determine the role of this variant in disease. Therefore, it has been classified as a Variant of Uncertain Significance.

Illumina Laboratory Services, Illumina
Classification: Uncertain significance for Congenital hyperammonemia, type I. Last evaluated: 2020-01-27. Review status: criteria provided, single submitter. Criteria: ICSLVariantClassificationCriteria RUGD 01 April 2020. Collection method: clinical testing. Allele origin: unknown.
Comment: The CPS1 c.1400C>T (p.Ala467Val) variant is a missense variant. A literature search was performed for the gene, cDNA change, and amino acid change. No publications were found based on this search. This variant is not found in the Genome Aggregation Database and is in a region of good sequence coverage, so the variant is presumed to be rare. Based on the limited evidence, the p.Ala467Val variant is classified as a variant of unknown significance for carbamoylphosphate synthetase I deficiency.

NM_001875.5(CPS1):c.1400C>T (p.Ala467Val)

Gene: CPS1 (carbamoyl-phosphate synthase 1; plus strand). Cytogenetic location: 2q34.
Variant type: single nucleotide variant.
Coding change: c.1400C>T on transcript NM_001875.5 (MANE Select); coding-DNA position 1400, C replaced by T.
Protein change: p.Ala467Val; replaces alanine 467 with valine.
Molecular consequence: missense variant. On other transcripts: non-coding transcript variant (2).
Genome position (GRCh38, 1-based): chr2:210,599,412, C>T. VCF-style: chr2-210599412-C-T. GRCh37 (hg19) VCF-style: chr2-211464136-C-T.
Other names: c.1400C>T, p.Ala467Val (NM_001122633.3, NM_001369257.1); c.1433C>T, p.Ala478Val (NM_001369256.1); short protein forms A467V, A478V.
Identifiers: ClinVar variation 873532 (VCV000873532.8), dbSNP rs746395584, ClinGen allele CA2086358.